The following is an entry in ClinVar:

NM_004364.5(CEBPA):c.92T>A (p.Phe31Tyr)

Gene: CEBPA (CCAAT enhancer binding protein alpha; minus strand). Cytogenetic location: 19q13.11.
Variant type: single nucleotide variant.
Coding change: c.92T>A on transcript NM_004364.5 (MANE Select); coding-DNA position 92, T replaced by A.
Protein change: p.Phe31Tyr; replaces phenylalanine 31 with tyrosine.
Molecular consequence: missense variant. On other transcripts: 5 prime UTR variant (1).
Genome position (GRCh38, 1-based): chr19:33,302,323, A>T on the plus strand (T>A on the coding strand, the complement: CEBPA is on the minus strand). VCF-style: chr19-33302323-A-T. GRCh37 (hg19) VCF-style: chr19-33793229-A-T.
Other names: c.-266T>A (NM_001285829.2); c.197T>A, p.Phe66Tyr (NM_001287424.2); c.50T>A, p.Phe17Tyr (NM_001287435.2); short protein forms F66Y, F31Y, F17Y.
Identifiers: ClinVar variation 4780163 (VCV004780163.1).

ClinVar aggregate classification (germline): Uncertain significance (1 of 4 stars; one submission).

Conditions:
Acute myeloid leukemia (AML). Also called: Acute myeloid leukemia, adult; AML adult; Acute non-lymphocytic leukemia; Acute granulocytic leukemia; Leukemia, acute myeloid, somatic; Leukemia, acute myelogenous, somatic. Identifiers: Orphanet 519, MedGen C0023467, MeSH D015470, MONDO:0018874, OMIM 601626, HP:0004808. Disease mechanism: Constitutively activated FLT3.

Submission:

Labcorp Genetics (formerly Invitae), Labcorp
Classification: Uncertain significance for Acute myeloid leukemia. Last evaluated: 2025-05-13. Review status: criteria provided, single submitter. Criteria: Invitae Variant Classification Sherloc (09022015). Collection method: clinical testing. Allele origin: germline.
Comment: This sequence change replaces phenylalanine, which is neutral and non-polar, with tyrosine, which is neutral and polar, at codon 31 of the CEBPA protein (p.Phe31Tyr). This variant is not present in population databases (gnomAD no frequency). This variant has not been reported in the literature in individuals affected with CEBPA-related conditions. An algorithm developed to predict the effect of missense changes on protein structure and function (PolyPhen-2) suggests that this variant is likely to be tolerated. In summary, the available evidence is currently insufficient to determine the role of this variant in disease. Therefore, it has been classified as a Variant of Uncertain Significance.